The following is an entry in ClinVar:

ClinVar aggregate classification (germline): Conflicting classifications of pathogenicity. Review status: criteria provided, conflicting classifications (1 of 4 stars). 2 submissions from 2 submitters: Uncertain significance (1); Likely benign (1). Last evaluated 2024-10-31.

Conditions:
Cardiovascular phenotype. Identifiers: MedGen CN230736.

Allele frequency attached by ClinVar (database versions not stated): gnomAD 0.00001; gnomAD exomes 0.00002; TOPMed 0.00002; ExAC 0.00006.
gnomAD v4.1: 27 of 1,603,120 alleles (0.0017%); highest among the groups gnomAD compares: Non-Finnish European, 0.0018%; no homozygotes.

Submissions (2):

Labcorp Genetics (formerly Invitae), Labcorp
Classification: Uncertain significance. Last evaluated: 2024-10-31. Review status: criteria provided, single submitter. Criteria: Invitae Variant Classification Sherloc (09022015). Collection method: clinical testing. Allele origin: germline.
Comment: This sequence change replaces threonine, which is neutral and polar, with lysine, which is basic and polar, at codon 104 of the LOX protein (p.Thr104Lys). This variant is present in population databases (rs761581335, gnomAD 0.006%). This variant has not been reported in the literature in individuals affected with LOX-related conditions. ClinVar contains an entry for this variant (Variation ID: 1727836). Invitae Evidence Modeling of protein sequence and biophysical properties (such as structural, functional, and spatial information, amino acid conservation, physicochemical variation, residue mobility, and thermodynamic stability) indicates that this missense variant is not expected to disrupt LOX protein function with a negative predictive value of 95%. In summary, the available evidence is currently insufficient to determine the role of this variant in disease. Therefore, it has been classified as a Variant of Uncertain Significance.

Ambry Genetics
Classification: Likely benign for Cardiovascular phenotype. Last evaluated: 2024-05-30. Review status: criteria provided, single submitter. Criteria: Ambry Variant Classification Scheme 2023. Collection method: clinical testing. Allele origin: germline.

NM_002317.7(LOX):c.311C>A (p.Thr104Lys)

Genes: LOX (lysyl oxidase; minus strand), SRFBP1 (serum response factor binding protein 1; plus strand). Cytogenetic location: 5q23.1.
Variant type: single nucleotide variant.
Coding change: c.311C>A on transcript NM_002317.7 (MANE Select); coding-DNA position 311, C replaced by A.
Protein change: p.Thr104Lys; replaces threonine 104 with lysine.
Molecular consequence: missense variant.
Genome position (GRCh38, 1-based): chr5:122,077,675, G>T on the plus strand (C>A on the coding strand, the complement: LOX is on the minus strand). VCF-style: chr5-122077675-G-T. GRCh37 (hg19) VCF-style: chr5-121413370-G-T.
Other names: short protein forms T104K.
Identifiers: ClinVar variation 1727836 (VCV001727836.6), dbSNP rs761581335, ClinGen allele CA3384068.
Genomic context (GRCh38, chr5:122,077,675, plus strand): 5'-CAGTGACGGGCGGTGGGCCTGGGGCGGCCAGCGGTGACTCCAGATGAGCCGGCCGTCCGC[G>T]TTCGCGCCGCGGCGGTGCGGTTGTCGCGGATCAGCAGGATCGGAGTGCGGGGCTGCTGGG-3'
Protein context (NP_002308.2, residues 94-114): IRDNRTAAAR[Thr104Lys]RTAGSSGVTA